The following is an entry in ClinVar:

ClinVar aggregate classification (germline): Uncertain significance. Review status: criteria provided, multiple submitters, no conflicts (2 of 4 stars). 2 submissions from 2 submitters: Uncertain significance (2). Last evaluated 2025-03-31.

Conditions:
Beck-Fahrner syndrome (BEFAHRS). Identifiers: Orphanet 684216, MedGen C5394097, MONDO:0032922, OMIM 618798.

Submissions (2):

3billion
Classification: Uncertain significance for Beck-Fahrner syndrome. Last evaluated: 2025-03-31. Review status: criteria provided, single submitter. Criteria: ACMG Guidelines, 2015. Collection method: clinical testing. Allele origin: germline. Affected: yes.

GeneDx
Classification: Uncertain significance. Last evaluated: 2023-06-20. Review status: criteria provided, single submitter. Criteria: GeneDx Variant Classification Process June 2021. Collection method: clinical testing. Allele origin: germline. Affected: yes.
Comment: Not observed at significant frequency in large population cohorts (gnomAD); In silico analysis supports that this missense variant has a deleterious effect on protein structure/function; In silico analysis suggests this variant may impact gene splicing. In the absence of RNA/functional studies, the actual effect of this sequence change is unknown.; Has not been previously published as pathogenic or benign to our knowledge

NM_001287491.2(TET3):c.3833A>G (p.Lys1278Arg)

Gene: TET3 (tet methylcytosine dioxygenase 3; plus strand). Cytogenetic location: 2p13.1.
Variant type: single nucleotide variant.
Coding change: c.3833A>G on transcript NM_001287491.2 (MANE Select); coding-DNA position 3833, A replaced by G.
Protein change: p.Lys1278Arg; replaces lysine 1278 with arginine.
Molecular consequence: missense variant.
Genome position (GRCh38, 1-based): chr2:74,100,621, A>G. VCF-style: chr2-74100621-A-G. GRCh37 (hg19) VCF-style: chr2-74327748-A-G.
Other names: c.3554A>G, p.Lys1185Arg (NM_001366022.1); short protein forms K1185R, K1278R.
Identifiers: ClinVar variation 3360200 (VCV003360200.2).